The following is an entry in ClinVar:

ClinVar aggregate classification (germline): Uncertain significance (1 of 4 stars; one submission).

Allele frequency attached by ClinVar (database versions not stated): gnomAD 0.00001; TOPMed 0.00001; gnomAD exomes 0.00003 and 0.00007; ExAC 0.00008.
gnomAD v4.1: 20 of 1,614,084 alleles (0.0012%); highest among the groups gnomAD compares: Admixed American, 0.033%; no homozygotes.

Submission:

Labcorp Genetics (formerly Invitae), Labcorp
Classification: Uncertain significance. Last evaluated: 2025-06-15. Review status: criteria provided, single submitter. Criteria: Invitae Variant Classification Sherloc (09022015). Collection method: clinical testing. Allele origin: germline.
Comment: This sequence change replaces aspartic acid, which is acidic and polar, with glycine, which is neutral and non-polar, at codon 289 of the LIPG protein (p.Asp289Gly). This variant is present in population databases (rs753303386, gnomAD 0.03%), and has an allele count higher than expected for a pathogenic variant. This variant has not been reported in the literature in individuals affected with LIPG-related conditions. ClinVar contains an entry for this variant (Variation ID: 1409343). An algorithm developed to predict the effect of missense changes on protein structure and function (PolyPhen-2) suggests that this variant is likely to be disruptive. In summary, the available evidence is currently insufficient to determine the role of this variant in disease. Therefore, it has been classified as a Variant of Uncertain Significance.

NM_006033.4(LIPG):c.866A>G (p.Asp289Gly)

Gene: LIPG (lipase G, endothelial type; plus strand). Cytogenetic location: 18q21.1.
Variant type: single nucleotide variant.
Coding change: c.866A>G on transcript NM_006033.4 (MANE Select); coding-DNA position 866, A replaced by G.
Protein change: p.Asp289Gly; replaces aspartic acid 289 with glycine.
Molecular consequence: missense variant.
Genome position (GRCh38, 1-based): chr18:49,581,487, A>G. VCF-style: chr18-49581487-A-G. GRCh37 (hg19) VCF-style: chr18-47107857-A-G.
Other names: c.644A>G, p.Asp215Gly (NM_001308006.2); short protein forms D289G, D215G.
Identifiers: ClinVar variation 1409343 (VCV001409343.8), dbSNP rs753303386, ClinGen allele CA8959241.